The following is an entry in ClinVar:

NM_001267550.2(TTN):c.15901T>C (p.Leu5301=)

Gene: TTN (titin; minus strand). Cytogenetic location: 2q31.2.
Variant type: single nucleotide variant.
Coding change: c.15901T>C on transcript NM_001267550.2 (MANE Select); coding-DNA position 15901, T replaced by C.
Protein change: p.Leu5301=; no amino-acid change (leucine 5301 retained).
Molecular consequence: synonymous variant. On other transcripts: intron variant (3).
Genome position (GRCh38, 1-based): chr2:178,733,392, A>G on the plus strand (T>C on the coding strand, the complement: TTN is on the minus strand). VCF-style: chr2-178733392-A-G. GRCh37 (hg19) VCF-style: chr2-179598119-A-G.
Other names: c.12169T>C, p.Leu4057= (NM_133378.4); c.14950T>C, p.Leu4984= (NM_001256850.1); c.13282+4690T>C (NM_003319.4); c.13858+4690T>C (NM_133437.4); c.13657+4690T>C (NM_133432.3).
Identifiers: ClinVar variation 180100 (VCV000180100.5), dbSNP rs727505349, ClinGen allele CA185812.

ClinVar aggregate classification (germline): Likely benign (1 of 4 stars; one submission).

Allele frequency attached by ClinVar (database versions not stated): gnomAD exomes below 0.00001 and 0.00001; ExAC 0.00001.
gnomAD v4.1: 3 of 1,613,808 alleles (0.00019%); highest among the groups gnomAD compares: South Asian, 0.0033%; no homozygotes.

Submission:

Laboratory for Molecular Medicine, Mass General Brigham Personalized Medicine
Classification: Likely benign. Last evaluated: 2014-11-28. Review status: criteria provided, single submitter. Criteria: LMM Criteria. Collection method: clinical testing. Allele origin: germline. Observed: 1 variant allele.
Comment: p.Leu4057Leu in exon 51 of TTN: This variant is not expected to have clinical si gnificance because it does not alter an amino acid residue and is not located wi thin the splice consensus sequence.